The following is an entry in ClinVar:

ClinVar aggregate classification (germline): Conflicting classifications of pathogenicity. Review status: criteria provided, conflicting classifications (1 of 4 stars). 2 submissions from 2 submitters: Uncertain significance (1); Likely benign (1). Last evaluated 2026-08-17.

Conditions:
Obesity due to SIM1 deficiency. Identifiers: Orphanet 369873, MedGen C5191050, MONDO:0018244.
SIM1-related disorder. Also called: SIM1-related condition; SIM1-related disorders.

Allele frequency attached by ClinVar (database versions not stated): TOPMed 0.00003.
gnomAD v4.1: 17 of 1,614,010 alleles (0.0011%); highest among the groups gnomAD compares: Non-Finnish European, 0.0014%; no homozygotes.

Submissions (2):

PreventionGenetics, part of Exact Sciences
Classification: Likely benign for SIM1-related condition. Last evaluated: 2026-08-17. Review status: criteria provided, single submitter. Criteria: ACMG Guidelines, 2015. Collection method: clinical testing. Allele origin: germline.
Comment: This variant is classified as likely benign based on ACMG/AMP sequence variant interpretation guidelines (Richards et al. 2015 PMID: 25741868, with internal and published modifications).

Illumina Laboratory Services, Illumina
Classification: Uncertain significance for Obesity due to SIM1 deficiency. Last evaluated: 2018-01-12. Review status: criteria provided, single submitter. Criteria: ICSL Variant Classification Criteria 13 December 2019. Collection method: clinical testing. Allele origin: germline.

NM_005068.3(SIM1):c.2193C>T (p.Ser731=)

Gene: SIM1 (SIM bHLH transcription factor 1; minus strand). Cytogenetic location: 6q16.3.
Variant type: single nucleotide variant.
Coding change: c.2193C>T on transcript NM_005068.3 (MANE Select); coding-DNA position 2193, C replaced by T.
Protein change: p.Ser731=; no amino-acid change (serine 731 retained).
Molecular consequence: synonymous variant.
Genome position (GRCh38, 1-based): chr6:100,390,469, G>A on the plus strand (C>T on the coding strand, the complement: SIM1 is on the minus strand). VCF-style: chr6-100390469-G-A. GRCh37 (hg19) VCF-style: chr6-100838345-G-A.
Other names: c.2193C>T, p.Ser731= (NM_001374769.1).
Identifiers: ClinVar variation 908029 (VCV000908029.5), dbSNP rs747010066, ClinGen allele CA144530183.